The following is an entry in ClinVar:

ClinVar aggregate classification (germline): Uncertain significance (1 of 4 stars; one submission).

Submission:

Dasa
Classification: Uncertain significance. Last evaluated: 2024-07-08. Review status: criteria provided, single submitter. Criteria: DASA Assertion Criteria. Collection method: clinical testing. Allele origin: germline.
Comment: NM_015443.4(KANSL1):c.1624C>G (p.Leu542Val) is a missense variant that results in the substitution of leucine with valine. This variant is rare in population databases. Computational prediction algorithms are consistent with a benign effect. The currently available literature and clinical evidence are not sufficient to establish a definitive association between this variant and the reported condition. Therefore, this variant is classified as a variant of uncertain significance.

NM_015443.4(KANSL1):c.1624C>G (p.Leu542Val)

Gene: KANSL1 (KAT8 regulatory NSL complex subunit 1). Cytogenetic location: 17q21.31.
Variant type: single nucleotide variant.
Coding change: c.1624C>G on transcript NM_015443.4 (MANE Select); coding-DNA position 1624, C replaced by G.
Protein change: p.Leu542Val; replaces leucine 542 with valine.
Molecular consequence: missense variant.
Genome position (GRCh38, 1-based): chr17:46,067,577, G>C on the plus strand (C>G on the coding strand, the complement: KANSL1 is on the minus strand). VCF-style: chr17-46067577-G-C. GRCh37 (hg19) VCF-style: chr17-44144943-G-C.
Other names: c.1624C>G, p.Leu542Val (NM_001193465.2, NM_001193466.2, NM_001379198.1 and 14 more transcripts); c.1522C>G, p.Leu508Val (NM_001405859.1, NM_001405860.1, NM_001405861.1 and 1 more transcripts); c.358C>G, p.Leu120Val (NM_001405882.1, NM_001405883.1, NM_001405884.1 and 1 more transcripts); short protein forms L120V, L508V, L542V.
Identifiers: ClinVar variation 4883415 (VCV004883415.2).